The following is an entry in ClinVar:

NM_016247.4(IMPG2):c.411G>A (p.Trp137Ter)

Gene: IMPG2 (interphotoreceptor matrix proteoglycan 2; minus strand). Cytogenetic location: 3q12.3.
Variant type: single nucleotide variant.
Coding change: c.411G>A on transcript NM_016247.4 (MANE Select); coding-DNA position 411, G replaced by A.
Protein change: p.Trp137Ter; replaces tryptophan 137 with a stop codon.
Molecular consequence: nonsense.
Genome position (GRCh38, 1-based): chr3:101,304,236, C>T on the plus strand (G>A on the coding strand, the complement: IMPG2 is on the minus strand). VCF-style: chr3-101304236-C-T. GRCh37 (hg19) VCF-style: chr3-101023080-C-T.
Other names: short protein forms W137*.
Identifiers: ClinVar variation 866386 (VCV000866386.13), dbSNP rs764109533, ClinGen allele CA2519485.

ClinVar aggregate classification (germline): Pathogenic/Likely pathogenic. Review status: criteria provided, multiple submitters, no conflicts (2 of 4 stars). 5 submissions from 5 submitters: Pathogenic (4); Likely pathogenic (1). Last evaluated 2025-12-16.

Conditions:
IMPG2-related disorder. Also called: IMPG2-related condition.
IMPG2-related disorders.
Retinitis pigmentosa 56 (RP56). Identifiers: Orphanet 791, MedGen C3150819, MONDO:0013314, OMIM 613581.

Allele frequency attached by ClinVar (database versions not stated): ExAC 0.00001; gnomAD exomes 0.00001; TOPMed 0.00001; gnomAD 0.00003.
gnomAD v4.1: 29 of 1,613,816 alleles (0.0018%); highest among the groups gnomAD compares: Non-Finnish European, 0.0025%; no homozygotes.

Submissions (5):

PreventionGenetics, part of Exact Sciences
Classification: Pathogenic for IMPG2-related condition. Last evaluated: 2025-12-16. Review status: criteria provided, single submitter. Criteria: ACMG Guidelines, 2015. Collection method: clinical testing. Allele origin: germline.
Comment: The IMPG2 c.411G>A variant is predicted to result in premature protein termination (p.Trp137*). This variant has been reported in the homozygous and presumed compound heterozygous states in multiple individuals with retinal disease (Table S4, Stone et al. 2017. PubMed ID: 28559085; Hitti-Malin et al. 2022. PubMed ID: 36259723). This variant is present in 0.0026% of alleles in individuals of European (Non-Finnish) descent in gnomAD. Nonsense variants in IMPG2 are an established mechanism of disease. This variant is interpreted as pathogenic.

GeneDx
Classification: Pathogenic. Last evaluated: 2024-12-02. Review status: criteria provided, single submitter. Criteria: GeneDx Variant Classification Process June 2021. Collection method: clinical testing. Allele origin: germline. Affected: yes.
Comment: Nonsense variant predicted to result in protein truncation or nonsense mediated decay in a gene for which loss of function is a known mechanism of disease; Not observed at significant frequency in large population cohorts (gnomAD); Identified in the homozygous state or with a likely pathogenic variant (phase unknown) in unrelated patients with retinal disease in the literature (PMID: 28559085, 36259723); This variant is associated with the following publications: (PMID: 31964843, 34906470, 36259723, 28559085)

Labcorp Genetics (formerly Invitae), Labcorp
Classification: Pathogenic. Last evaluated: 2023-06-27. Review status: criteria provided, single submitter. Criteria: Invitae Variant Classification Sherloc (09022015). Collection method: clinical testing. Allele origin: germline.
Comment: This variant is present in population databases (rs764109533, gnomAD 0.003%). This premature translational stop signal has been observed in individual(s) with retinitis pigmentosa (PMID: 28559085). This sequence change creates a premature translational stop signal (p.Trp137*) in the IMPG2 gene. It is expected to result in an absent or disrupted protein product. Loss-of-function variants in IMPG2 are known to be pathogenic (PMID: 20673862). ClinVar contains an entry for this variant (Variation ID: 866386). For these reasons, this variant has been classified as Pathogenic.

Blueprint Genetics
Classification: Pathogenic for IMPG2-related disorders. Last evaluated: 2022-06-27. Review status: criteria provided, single submitter. Criteria: ACMG Guidelines, 2015. Collection method: clinical testing. Allele origin: germline. Affected: yes. Observed: 5 variant alleles.

Ocular Genomics Institute, Massachusetts Eye and Ear
Classification: Likely pathogenic for Retinitis pigmentosa 56. Last evaluated: 2021-04-08. Review status: criteria provided, single submitter. Criteria: ACMG Guidelines, 2015. Collection method: research. Allele origin: germline. Affected: yes.
Comment: Through a review of available evidence we were able to apply the following criteria: PVS1, PM2. Based on this evidence we have classified this variant as Likely Pathogenic.

Literature cited by the submitters: PubMed 28559085 (cited by Labcorp Genetics (formerly Invitae), Labcorp); PubMed 20673862 (cited by Labcorp Genetics (formerly Invitae), Labcorp).